The following is an entry in ClinVar:

NM_003091.4(SNRPB):c.446C>T (p.Thr149Ile)

Gene: SNRPB (small nuclear ribonucleoprotein polypeptides B and B1; minus strand). Cytogenetic location: 20p13.
Variant type: single nucleotide variant.
Coding change: c.446C>T on transcript NM_003091.4 (MANE Select); coding-DNA position 446, C replaced by T.
Protein change: p.Thr149Ile; replaces threonine 149 with isoleucine.
Molecular consequence: missense variant.
Genome position (GRCh38, 1-based): chr20:2,463,202, G>A on the plus strand (C>T on the coding strand, the complement: SNRPB is on the minus strand). VCF-style: chr20-2463202-G-A. GRCh37 (hg19) VCF-style: chr20-2443848-G-A.
Other names: c.446C>T, p.Thr149Ile (NM_198216.2); short protein forms T149I.
Identifiers: ClinVar variation 3659383 (VCV003659383.2).

ClinVar aggregate classification (germline): Uncertain significance (1 of 4 stars; one submission).

Submission:

Labcorp Genetics (formerly Invitae), Labcorp
Classification: Uncertain significance. Last evaluated: 2024-07-12. Review status: criteria provided, single submitter. Criteria: Invitae Variant Classification Sherloc (09022015). Collection method: clinical testing. Allele origin: germline.
Comment: This sequence change replaces threonine, which is neutral and polar, with isoleucine, which is neutral and non-polar, at codon 149 of the SNRPB protein (p.Thr149Ile). This variant is not present in population databases (gnomAD no frequency). This variant has not been reported in the literature in individuals affected with SNRPB-related conditions. An algorithm developed to predict the effect of missense changes on protein structure and function (PolyPhen-2) suggests that this variant is likely to be tolerated. In summary, the available evidence is currently insufficient to determine the role of this variant in disease. Therefore, it has been classified as a Variant of Uncertain Significance.